The following is an entry in ClinVar:

ClinVar aggregate classification (germline): Pathogenic (1 of 4 stars; one submission).

Conditions:
Neurofibromatosis, type 1 (NF1). Also called: VON RECKLINGHAUSEN DISEASE; Peripheral type neurofibromatosis; Neurofibromatosis, type I; NEUROFIBROMATOSIS, TYPE I, SOMATIC. Identifiers: Orphanet 636, MedGen C0027831, MONDO:0018975, OMIM 162200. Disease mechanism: loss of function.

Submission:

Labcorp Genetics (formerly Invitae), Labcorp
Classification: Pathogenic for Neurofibromatosis, type 1. Last evaluated: 2020-10-25. Review status: criteria provided, single submitter. Criteria: Invitae Variant Classification Sherloc (09022015). Collection method: clinical testing. Allele origin: germline.
Comment: For these reasons, this variant has been classified as Pathogenic. This variant has not been reported in the literature in individuals with NF1-related conditions. This variant is not present in population databases (ExAC no frequency). This sequence change creates a premature translational stop signal (p.Ile418Thrfs*55) in the NF1 gene. It is expected to result in an absent or disrupted protein product. Loss-of-function variants in NF1 are known to be pathogenic (PMID: 10712197, 23913538).

Literature cited by the submitters: PubMed 10712197; PubMed 23913538.

NM_001042492.3(NF1):c.1253del (p.Ile418fs)

Gene: NF1 (neurofibromin 1; plus strand). Cytogenetic location: 17q11.2.
Variant type: Deletion.
Coding change: c.1253del on transcript NM_001042492.3 (MANE Select); coding-DNA position 1253, one base deleted (T; older notation c.1253delT).
Protein change: p.Ile418fs; shifts the reading frame from isoleucine 418.
Molecular consequence: frameshift variant.
Genome position (GRCh38, 1-based): chr17:31,201,478, T deleted. VCF-style (leftmost placement, unchanged base first): chr17-31201477-AT-A. GRCh37 (hg19) VCF-style: chr17-29528495-AT-A.
Other names: c.1253delT, p.Ile418Thrfs (NM_000267.4); c.1253del, p.Ile418fs (NM_001128147.3); short protein forms I418fs.
Identifiers: ClinVar variation 1386165 (VCV001386165.6), dbSNP rs2143886904, ClinGen allele CA2573153596.